The following is an entry in ClinVar:

ClinVar aggregate classification (germline): Likely benign. Review status: criteria provided, multiple submitters, no conflicts (2 of 4 stars). 3 submissions from 3 submitters: Likely benign (2). 1 of the submissions does not count toward it. Last evaluated 2024-06-21.

Conditions:
RAD51D-related disorder. Also called: RAD51D-related condition.
Hereditary cancer-predisposing syndrome. Also called: Tumor predisposition; Hereditary Cancer Syndrome; Neoplastic Syndromes, Hereditary; Hereditary neoplastic syndrome. Identifiers: Orphanet 140162, MedGen C0027672, MeSH D009386, MONDO:0015356.

Allele frequency attached by ClinVar (database versions not stated): gnomAD exomes 0.00006 and 0.00017; ExAC 0.00018; 1000 Genomes Project 0.00040; gnomAD 0.00040 and 0.00045; 1000 Genomes Project 30x 0.00047; TOPMed 0.00052; ESP Exome Variant Server 0.00078.
gnomAD v4.1: 166 of 1,613,076 alleles (0.01%); highest among the groups gnomAD compares: African/African-American, 0.15%; 1 homozygote.

Submissions (3):

Blueprint Genetics
Classification: Likely benign. Last evaluated: 2024-06-21. Review status: criteria provided, single submitter. Criteria: ACMG Guidelines, 2015. Collection method: clinical testing. Allele origin: germline.

Color Diagnostics, LLC DBA Color Health
Classification: Likely benign for Hereditary cancer-predisposing syndrome. Last evaluated: 2015-04-22. Review status: criteria provided, single submitter. Criteria: ACMG Guidelines, 2015. Collection method: clinical testing. Allele origin: germline.

PreventionGenetics, part of Exact Sciences
Classification: Likely benign for RAD51D-related condition. Last evaluated: 2024-05-24. Review status: no assertion criteria provided. Collection method: clinical testing. Allele origin: germline. Not counted in ClinVar's aggregate classification.
Comment: This variant is classified as likely benign based on ACMG/AMP sequence variant interpretation guidelines (Richards et al. 2015 PMID: 25741868, with internal and published modifications).

NM_002878.4(RAD51D):c.263+1478C>T

Genes: RAD51D (RAD51 paralog D; minus strand), RAD51L3-RFFL (RAD51L3-RFFL readthrough; minus strand). Cytogenetic location: 17q12.
Variant type: single nucleotide variant.
Coding change: c.263+1478C>T on transcript NM_002878.4 (MANE Select); 1478 bases into the intron after coding-DNA position 263, C replaced by T.
Molecular consequence: intron variant. On other transcripts: synonymous variant (1).
Genome position (GRCh38, 1-based): chr17:35,117,023, G>A on the plus strand (C>T on the coding strand, the complement: RAD51D is on the minus strand). VCF-style: chr17-35117023-G-A. GRCh37 (hg19) VCF-style: chr17-33444042-G-A.
Other names: c.159C>T (NM_001142571.1); c.159C>T, p.His53= (NM_001142571.2); c.144+2088C>T (NM_133629.3).
Identifiers: ClinVar variation 492415 (VCV000492415.5), dbSNP rs200538950, ClinGen allele CA8499595.